The following is an entry in ClinVar:

NM_001079668.3(NKX2-1):c.651G>A (p.Ser217=)

Genes: NKX2-1 (NK2 homeobox 1; minus strand), SFTA3 (surfactant associated 3; minus strand). Cytogenetic location: 14q13.3.
Variant type: single nucleotide variant.
Coding change: c.651G>A on transcript NM_001079668.3 (MANE Select); coding-DNA position 651, G replaced by A.
Protein change: p.Ser217=; no amino-acid change (serine 217 retained).
Molecular consequence: synonymous variant.
Genome position (GRCh38, 1-based): chr14:36,517,833, C>T on the plus strand (G>A on the coding strand, the complement: NKX2-1 is on the minus strand). VCF-style: chr14-36517833-C-T. GRCh37 (hg19) VCF-style: chr14-36987038-C-T.
Other names: c.561G>A, p.Ser187= (NM_003317.4).
Identifiers: ClinVar variation 703894 (VCV000703894.34), dbSNP rs572484690, ClinGen allele CA7158464.

ClinVar aggregate classification (germline): Benign/Likely benign. Review status: criteria provided, multiple submitters, no conflicts (2 of 4 stars). 3 submissions from 3 submitters: Benign (2); Likely benign (1). Last evaluated 2024-08-12.

Allele frequency attached by ClinVar (database versions not stated): gnomAD below 0.00001 and 0.00011; TOPMed 0.00002; 1000 Genomes Project 30x 0.00031; 1000 Genomes Project 0.00040; ExAC 0.00062.

Submissions (3):

Blueprint Genetics
Classification: Likely benign. Last evaluated: 2024-08-12. Review status: criteria provided, single submitter. Criteria: ACMG Guidelines, 2015. Collection method: clinical testing. Allele origin: germline.

Labcorp Genetics (formerly Invitae), Labcorp
Classification: Benign. Last evaluated: 2023-03-21. Review status: criteria provided, single submitter. Criteria: Invitae Variant Classification Sherloc (09022015). Collection method: clinical testing. Allele origin: germline.

CeGaT Center for Human Genetics Tuebingen
Classification: Benign. Last evaluated: 2022-07-01. Review status: criteria provided, single submitter. Criteria: CeGaT Center For Human Genetics Tuebingen Variant Classification Criteria Version 2. Collection method: clinical testing. Allele origin: germline. Affected: yes. Observed: 1 variant allele.
Comment: NKX2-1: BS1, BS2